The following is an entry in ClinVar:

ClinVar aggregate classification (germline): Likely benign. Review status: criteria provided, single submitter (1 of 4 stars). 2 submissions from 2 submitters: Likely benign (1). 1 of the submissions does not count toward it. Last evaluated 2024-01-29.

Conditions:
KIDINS220-related disorder. Also called: KIDINS220-related condition.

Allele frequency attached by ClinVar (database versions not stated): 1000 Genomes Project 30x 0.00062; 1000 Genomes Project 0.00080; gnomAD 0.00010; TOPMed 0.00013.
gnomAD v4.1: 115 of 1,609,762 alleles (0.0071%); highest among the groups gnomAD compares: East Asian, 0.2%; 1 homozygote.

Submissions (2):

Labcorp Genetics (formerly Invitae), Labcorp
Classification: Likely benign. Last evaluated: 2024-01-29. Review status: criteria provided, single submitter. Criteria: Invitae Variant Classification Sherloc (09022015). Collection method: clinical testing. Allele origin: germline.

PreventionGenetics, part of Exact Sciences
Classification: Likely benign for KIDINS220-related condition. Last evaluated: 2019-06-17. Review status: no assertion criteria provided. Collection method: clinical testing. Allele origin: germline. Not counted in ClinVar's aggregate classification.
Comment: This variant is classified as likely benign based on ACMG/AMP sequence variant interpretation guidelines (Richards et al. 2015 PMID: 25741868, with internal and published modifications).

NM_020738.4(KIDINS220):c.42G>T (p.Glu14Asp)

Gene: KIDINS220 (kinase D interacting substrate 220; minus strand). Cytogenetic location: 2p25.1.
Variant type: single nucleotide variant.
Coding change: c.42G>T on transcript NM_020738.4 (MANE Select); coding-DNA position 42, G replaced by T.
Protein change: p.Glu14Asp; replaces glutamic acid 14 with aspartic acid.
Molecular consequence: missense variant. On other transcripts: 5 prime UTR variant (1), non-coding transcript variant (2).
Genome position (GRCh38, 1-based): chr2:8,827,052, C>A on the plus strand (G>T on the coding strand, the complement: KIDINS220 is on the minus strand). VCF-style: chr2-8827052-C-A. GRCh37 (hg19) VCF-style: chr2-8967182-C-A.
Other names: c.42G>T, p.Glu14Asp (NM_001348729.2, NM_001348731.2, NM_001348732.2 and 9 more transcripts); c.-256G>T (NM_001348736.2); short protein forms E14D.
Identifiers: ClinVar variation 765137 (VCV000765137.11), dbSNP rs140222575, ClinGen allele CA1520557.